The following is an entry in ClinVar:

NM_003072.5(SMARCA4):c.762_765delinsAGGGCCCATA (p.Met255delinsGlyProIle)

Gene: SMARCA4 (SWI/SNF related BAF chromatin remodeling complex subunit ATPase 4; plus strand). Cytogenetic location: 19p13.2.
Variant type: Indel.
Coding change: c.762_765delinsAGGGCCCATA on transcript NM_003072.5 (MANE Select); coding-DNA positions 762 to 765, TATG replaced by AGGGCCCATA.
Protein change: p.Met255delinsGlyProIle.
Molecular consequence: inframe indel. On other transcripts: non-coding transcript variant (1).
Genome position (GRCh38, 1-based): chr19:10,986,906-10,986,909, TATG replaced by AGGGCCCATA. VCF-style: chr19-10986906-TATG-AGGGCCCATA. GRCh37 (hg19) VCF-style: chr19-11097582-TATG-AGGGCCCATA.
Other names: c.762_765delinsAGGGCCCATA, p.Met255delinsGlyProIle (NM_001128846.2, NM_001128847.4, NM_001128848.2 and 6 more transcripts).
Identifiers: ClinVar variation 5029877 (VCV005029877.1).

ClinVar aggregate classification (germline): Uncertain significance (1 of 4 stars; one submission).

Conditions:
Hereditary cancer-predisposing syndrome. Also called: Neoplastic Syndromes, Hereditary; Tumor predisposition; Hereditary neoplastic syndrome; Hereditary Cancer Syndrome. Identifiers: Orphanet 140162, MedGen C0027672, MeSH D009386, MONDO:0015356.

Submission:

Ambry Genetics
Classification: Uncertain significance for Hereditary cancer-predisposing syndrome. Last evaluated: 2026-08-14. Review status: criteria provided, single submitter. Criteria: Ambry Variant Classification Scheme 2023. Collection method: clinical testing. Allele origin: germline.
Comment: The c.762_765delTATGins10 variant (also known as p.M255delinsGPI), located in coding exon 4 of the SMARCA4 gene, results from an in-frame deletion of TATG and insertion of 10 nucleotides (AGGGCCCATA) at positions 762 to 765. This results in the deletion of the methionine residue and insertion of 3 new residues (GPI) at codon 255. This amino acid position is well conserved in available vertebrate species. In addition, the in silico prediction for this variant is inconclusive (Choi Y et al. PLoS ONE. 2012; 7(10):e46688). Based on the available evidence, the clinical significance of this variant remains unclear.